The following is an entry in ClinVar:

NM_001395413.1(POR):c.1222T>G (p.Ser408Ala)

Gene: POR (cytochrome p450 oxidoreductase; plus strand). Cytogenetic location: 7q11.23.
Variant type: single nucleotide variant.
Coding change: c.1222T>G on transcript NM_001395413.1 (MANE Select); coding-DNA position 1222, T replaced by G.
Protein change: p.Ser408Ala; replaces serine 408 with alanine.
Molecular consequence: missense variant.
Genome position (GRCh38, 1-based): chr7:75,984,941, T>G. VCF-style: chr7-75984941-T-G. GRCh37 (hg19) VCF-style: chr7-75614259-T-G.
Other names: c.1222T>G, p.Ser408Ala (NM_001367562.3, NM_001382657.2, NM_001382658.3 and 2 more transcripts); c.1276T>G, p.Ser426Ala (NM_001382655.3); short protein forms S408A, S426A.
Identifiers: ClinVar variation 1491334 (VCV001491334.8), dbSNP rs781842238, ClinGen allele CA4304033.

ClinVar aggregate classification (germline): Uncertain significance (1 of 4 stars; one submission).

Conditions:
Congenital adrenal hyperplasia due to cytochrome P450 oxidoreductase deficiency. Also called: DISORDERED STEROIDOGENESIS DUE TO POR DEFICIENCY. Identifiers: Orphanet 95699, MedGen C1860042, MONDO:0013310, OMIM 613571.

Allele frequency attached by ClinVar (database versions not stated): TOPMed below 0.00001; gnomAD 0.00001; gnomAD exomes 0.00001; ExAC 0.00002.
gnomAD v4.1: 11 of 1,597,124 alleles (0.00069%); highest among the groups gnomAD compares: South Asian, 0.0089%; 1 homozygote.

Submission:

Labcorp Genetics (formerly Invitae), Labcorp
Classification: Uncertain significance for Congenital adrenal hyperplasia due to cytochrome P450 oxidoreductase deficiency. Last evaluated: 2023-07-10. Review status: criteria provided, single submitter. Criteria: Invitae Variant Classification Sherloc (09022015). Collection method: clinical testing. Allele origin: germline.
Comment: In summary, the available evidence is currently insufficient to determine the role of this variant in disease. Therefore, it has been classified as a Variant of Uncertain Significance. Advanced modeling of protein sequence and biophysical properties (such as structural, functional, and spatial information, amino acid conservation, physicochemical variation, residue mobility, and thermodynamic stability) performed at Invitae indicates that this missense variant is not expected to disrupt POR protein function. ClinVar contains an entry for this variant (Variation ID: 1491334). This variant has not been reported in the literature in individuals affected with POR-related conditions. This variant is present in population databases (rs781842238, gnomAD 0.008%). This sequence change replaces serine, which is neutral and polar, with alanine, which is neutral and non-polar, at codon 411 of the POR protein (p.Ser411Ala).